The following is an entry in ClinVar:

NM_022455.5(NSD1):c.7487G>T (p.Gly2496Val)

Gene: NSD1 (nuclear receptor binding SET domain protein 1; plus strand). Cytogenetic location: 5q35.3.
Variant type: single nucleotide variant.
Coding change: c.7487G>T on transcript NM_022455.5 (MANE Select); coding-DNA position 7487, G replaced by T.
Protein change: p.Gly2496Val; replaces glycine 2496 with valine.
Molecular consequence: missense variant.
Genome position (GRCh38, 1-based): chr5:177,294,855, G>T. VCF-style: chr5-177294855-G-T. GRCh37 (hg19) VCF-style: chr5-176721856-G-T.
Other names: c.6614G>T, p.Gly2205Val (NM_001365684.2, NM_001409308.1, NM_172349.5); c.7487G>T, p.Gly2496Val (NM_001409301.1, NM_001409302.1, NM_001409303.1); c.7067G>T, p.Gly2356Val (NM_001409304.1); c.6734G>T, p.Gly2245Val (NM_001409305.1); c.6725G>T, p.Gly2242Val (NM_001409306.1, NM_001409307.1); c.6365G>T, p.Gly2122Val (NM_001409309.1); short protein forms G2227V, G2496V, G2205V, G2356V, G2122V, G2242V, G2245V.
Identifiers: ClinVar variation 1306819 (VCV001306819.3), dbSNP rs556993869, ClinGen allele CA3578144.

ClinVar aggregate classification (germline): Conflicting classifications of pathogenicity. Review status: criteria provided, conflicting classifications (1 of 4 stars). 2 submissions from 2 submitters: Uncertain significance (1); Likely benign (1). Last evaluated 2025-05-15.

Conditions:
Inborn genetic diseases. Identifiers: MedGen C0950123, MeSH D030342.

Allele frequency attached by ClinVar (database versions not stated): gnomAD exomes 0.00001; gnomAD 0.00001; TOPMed 0.00001; 1000 Genomes Project 30x 0.00016; 1000 Genomes Project 0.00020; ExAC 0.00001.
gnomAD v4.1: 12 of 1,613,020 alleles (0.00074%); highest among the groups gnomAD compares: South Asian, 0.0055%; no homozygotes.

Submissions (2):

Ambry Genetics
Classification: Likely benign for Inborn genetic diseases. Last evaluated: 2025-05-15. Review status: criteria provided, single submitter. Criteria: Ambry Variant Classification Scheme 2023. Collection method: clinical testing. Allele origin: germline.

GeneDx
Classification: Uncertain significance. Last evaluated: 2019-07-05. Review status: criteria provided, single submitter. Criteria: GeneDx Variant Classification Process June 2021. Collection method: clinical testing. Allele origin: germline. Affected: yes.
Comment: Not observed at a significant frequency in large population cohorts (Lek et al., 2016); In silico analysis, which includes protein predictors and evolutionary conservation, supports that this variant does not alter protein structure/function; Has not been previously published as pathogenic or benign to our knowledge